The following is an entry in ClinVar:

ClinVar aggregate classification (germline): Uncertain significance (1 of 4 stars; one submission).

Submission:

GeneDx
Classification: Uncertain significance. Last evaluated: 2019-08-20. Review status: criteria provided, single submitter. Criteria: GeneDx Variant Classification Process June 2021. Collection method: clinical testing. Allele origin: germline. Affected: yes.
Comment: Not observed in large population cohorts (Lek et al., 2016); In silico analysis, which includes protein predictors and evolutionary conservation, supports a deleterious effect; Has not been previously published as pathogenic or benign to our knowledge

NM_015160.3(PMPCA):c.896A>G (p.Lys299Arg)

Gene: PMPCA (peptidase, mitochondrial processing subunit alpha; plus strand). Cytogenetic location: 9q34.3.
Variant type: single nucleotide variant.
Coding change: c.896A>G on transcript NM_015160.3 (MANE Select); coding-DNA position 896, A replaced by G.
Protein change: p.Lys299Arg; replaces lysine 299 with arginine.
Molecular consequence: missense variant.
Genome position (GRCh38, 1-based): chr9:136,417,213, A>G. VCF-style: chr9-136417213-A-G. GRCh37 (hg19) VCF-style: chr9-139311665-A-G.
Other names: c.503A>G, p.Lys168Arg (NM_001282944.2); c.596A>G, p.Lys199Arg (NM_001282946.2); short protein forms K168R, K199R, K299R.
Identifiers: ClinVar variation 1307900 (VCV001307900.2), dbSNP rs2131589516, ClinGen allele CA375554667.